The following is an entry in ClinVar:

NM_173598.6(KSR2):c.1600_1601delinsA (p.Pro534fs)

Gene: KSR2 (kinase suppressor of ras 2; minus strand). Cytogenetic location: 12q24.22.
Variant type: Indel.
Coding change: c.1600_1601delinsA on transcript NM_173598.6 (MANE Select); coding-DNA positions 1600 to 1601, CC replaced by A.
Protein change: p.Pro534fs; shifts the reading frame from proline 534.
Molecular consequence: frameshift variant.
Genome position (GRCh38, 1-based): chr12:117,539,805-117,539,806, GG replaced by T on the plus strand (CC replaced by A on the coding strand, the reverse complement: KSR2 is on the minus strand). VCF-style: chr12-117539805-GG-T. GRCh37 (hg19) VCF-style: chr12-117977610-GG-T.
Other names: short protein forms P534fs.
Identifiers: ClinVar variation 4990985 (VCV004990985.1).
Genomic context (GRCh38, chr12:117,539,805, plus strand): 5'-CGTGTGCACTGTGGGGAAGGGTGTAGGGGAGAAGGCGGCGTGGCACTAGGAGGGAGGGGG[GG>T]TGCTGGCGAGGAGGGCGTGGAGGACGTCGTGGAGGAGGGGTTGCTGCTGGAGTCTGGCTG-3'

ClinVar aggregate classification (germline): Likely pathogenic (1 of 4 stars; one submission).

Conditions:
KSR2-related disorder. Also called: KSR2-related condition.

Submission:

PreventionGenetics, part of Exact Sciences
Classification: Likely pathogenic for KSR2-related condition. Last evaluated: 2026-05-12. Review status: criteria provided, single submitter. Criteria: ACMG Guidelines, 2015. Collection method: clinical testing. Allele origin: germline.
Comment: The KSR2 c.1513_1514delinsA variant is predicted to result in a frameshift and premature protein termination (p.Pro505Thrfs*63). This variant has been reported in an individual affected with autism, however, no additional evidence was provided to support its pathogenicity (Suppl. Data 1, Zhou et al. 2022. PubMed ID: 35982159). This variant has not been reported in a large population database (gnomAD), indicating this variant is rare. This variant lies within exon 10; protein truncating variants within exons 10-17 of KSR2 have been reported in individuals with severe early-onset obesity (Pearce et al. 2013. PubMed ID: 24209692). This variant is interpreted as likely pathogenic.